The following is an entry in ClinVar:

ClinVar aggregate classification (germline): Uncertain significance. Review status: criteria provided, multiple submitters, no conflicts (2 of 4 stars). 2 submissions from 2 submitters: Uncertain significance (2). Last evaluated 2025-06-26.

Conditions:
Inborn genetic diseases. Identifiers: MedGen C0950123, MeSH D030342.

Allele frequency attached by ClinVar (database versions not stated): gnomAD exomes below 0.00001; gnomAD 0.00001; TOPMed 0.00002; 1000 Genomes Project 30x 0.00016.
gnomAD v4.1: 4 of 1,611,522 alleles (0.00025%); highest among the groups gnomAD compares: African/African-American, 0.004%; no homozygotes.

Submissions (2):

Ambry Genetics
Classification: Uncertain significance for Inborn genetic diseases. Last evaluated: 2025-06-26. Review status: criteria provided, single submitter. Criteria: Ambry Variant Classification Scheme 2023. Collection method: clinical testing. Allele origin: germline.

Labcorp Genetics (formerly Invitae), Labcorp
Classification: Uncertain significance. Last evaluated: 2024-12-09. Review status: criteria provided, single submitter. Criteria: Invitae Variant Classification Sherloc (09022015). Collection method: clinical testing. Allele origin: germline.
Comment: This sequence change replaces glutamine, which is neutral and polar, with arginine, which is basic and polar, at codon 419 of the PIGB protein (p.Gln419Arg). This variant is present in population databases (no rsID available, gnomAD 0.003%). This variant has not been reported in the literature in individuals affected with PIGB-related conditions. ClinVar contains an entry for this variant (Variation ID: 1928900). Invitae Evidence Modeling of protein sequence and biophysical properties (such as structural, functional, and spatial information, amino acid conservation, physicochemical variation, residue mobility, and thermodynamic stability) indicates that this missense variant is not expected to disrupt PIGB protein function with a negative predictive value of 80%. In summary, the available evidence is currently insufficient to determine the role of this variant in disease. Therefore, it has been classified as a Variant of Uncertain Significance.

NM_004855.5(PIGB):c.1256A>G (p.Gln419Arg)

Gene: PIGB (phosphatidylinositol glycan anchor biosynthesis class B; plus strand). Cytogenetic location: 15q21.3.
Variant type: single nucleotide variant.
Coding change: c.1256A>G on transcript NM_004855.5 (MANE Select); coding-DNA position 1256, A replaced by G.
Protein change: p.Gln419Arg; replaces glutamine 419 with arginine.
Molecular consequence: missense variant.
Genome position (GRCh38, 1-based): chr15:55,350,831, A>G. VCF-style: chr15-55350831-A-G. GRCh37 (hg19) VCF-style: chr15-55643029-A-G.
Other names: c.1256A>G (NM_004855.4); short protein forms Q419R.
Identifiers: ClinVar variation 1928900 (VCV001928900.5), dbSNP rs1400257889, ClinGen allele CA392543681.